The following is an entry in ClinVar:

NM_007194.4(CHEK2):c.1210_1211insTT (p.Tyr404fs)

Gene: CHEK2 (checkpoint kinase 2; minus strand). Cytogenetic location: 22q12.1.
Variant type: Insertion.
Coding change: c.1210_1211insTT on transcript NM_007194.4 (MANE Select); coding-DNA positions 1210 to 1211, TT inserted.
Protein change: p.Tyr404fs; shifts the reading frame from tyrosine 404.
Molecular consequence: frameshift variant.
Genome position: GRCh38 VCF-style: chr22-28695758-T-TAA. GRCh37 (hg19) VCF-style: chr22-29091746-T-TAA.
Other names: c.1338_1339insTT, p.Tyr447Phefs (NM_001005735.3); c.546_547insTT, p.Tyr183Phefs (NM_001257387.3); c.1008_1009insTT, p.Tyr337Phefs (NM_001349956.3); c.1122_1123insTT, p.Tyr375Phefs (NM_145862.3); short protein forms Y183fs, Y447fs, Y337fs, Y375fs, Y404fs.
Identifiers: ClinVar variation 834705 (VCV000834705.8), dbSNP rs2052554226, ClinGen allele CA916083795.

ClinVar aggregate classification (germline): Pathogenic (1 of 4 stars; one submission).

Conditions:
Familial cancer of breast. Also called: hereditary breast carcinoma; BREAST CANCER, FAMILIAL; Hereditary breast cancer. Identifiers: Orphanet 227535, MedGen C0346153, MONDO:0016419, OMIM 114480. Disease mechanism: loss of function.

Submission:

Labcorp Genetics (formerly Invitae), Labcorp
Classification: Pathogenic for Familial cancer of breast. Last evaluated: 2019-04-09. Review status: criteria provided, single submitter. Criteria: Invitae Variant Classification Sherloc (09022015). Collection method: clinical testing. Allele origin: germline.
Comment: This sequence change creates a premature translational stop signal (p.Tyr404Phefs*11) in the CHEK2 gene. It is expected to result in an absent or disrupted protein product. This variant is not present in population databases (ExAC no frequency). This variant has not been reported in the literature in individuals with CHEK2-related conditions. Loss-of-function variants in CHEK2 are known to be pathogenic (PMID: 21876083, 24713400). For these reasons, this variant has been classified as Pathogenic.

Literature cited by the submitters: PubMed 21876083; PubMed 24713400.